The following is an entry in ClinVar:

NC_000006.11:g.(?_45399580)_(45405808_?)del

Gene: RUNX2 (RUNX family transcription factor 2; plus strand). Cytogenetic location: 6p21.1.
Variant type: Deletion.
Identifiers: ClinVar variation 1458744 (VCV001458744.4).

ClinVar aggregate classification (germline): Pathogenic (1 of 4 stars; one submission).

Submission:

Labcorp Genetics (formerly Invitae), Labcorp
Classification: Pathogenic. Last evaluated: 2021-08-05. Review status: criteria provided, single submitter. Criteria: Invitae Variant Classification Sherloc (09022015). Collection method: clinical testing. Allele origin: germline.
Comment: For these reasons, this variant has been classified as Pathogenic. This variant has not been reported in the literature in individuals affected with RUNX2-related conditions. This variant is a gross deletion of the genomic region encompassing exon(s) 4-5 of the RUNX2 gene. This deletion is out-of-frame, and is expected to create a premature translational stop signal and result in an absent or disrupted protein product. Loss-of-function variants in RUNX2 are known to be pathogenic (PMID: 10521292, 11857736).

Literature cited by the submitters: PubMed 10521292; PubMed 11857736.